The following is an entry in ClinVar:

NM_000376.3(VDR):c.361C>T (p.Arg121Trp)

Gene: VDR (vitamin D receptor; minus strand). Cytogenetic location: 12q13.11.
Variant type: single nucleotide variant.
Coding change: c.361C>T on transcript NM_000376.3 (MANE Select); coding-DNA position 361, C replaced by T.
Protein change: p.Arg121Trp; replaces arginine 121 with tryptophan.
Molecular consequence: missense variant.
Genome position (GRCh38, 1-based): chr12:47,857,605, G>A on the plus strand (C>T on the coding strand, the complement: VDR is on the minus strand). VCF-style: chr12-47857605-G-A. GRCh37 (hg19) VCF-style: chr12-48251388-G-A.
Other names: c.361C>T, p.Arg121Trp (NM_001017535.2, NM_001364085.2, NM_001374661.1 and 1 more transcripts); c.511C>T, p.Arg171Trp (NM_001017536.2); short protein forms R121W, R171W.
Identifiers: ClinVar variation 962188 (VCV000962188.9), dbSNP rs752590757, ClinGen allele CA6533958.
Genomic context (GRCh38, chr12:47,857,605, plus strand): 5'-TATGGTGGGCGTCCAGCAGTATGGCAATGATGCGCTGCTGCTCCTCAGACAGCTTGGGCC[G>A]CAGACTGTCCTTCAAGGCCTCCTCCTCCTTCCGCTTCAGGATCATCTCCCGCTTCCTCTG-3'
Protein context (NP_000367.1, residues 111-131): KEEEALKDSL[Arg121Trp]PKLSEEQQRI

ClinVar aggregate classification (germline): Uncertain significance. Review status: criteria provided, multiple submitters, no conflicts (2 of 4 stars). 2 submissions from 2 submitters: Uncertain significance (2). Last evaluated 2024-05-22.

Conditions:
Vitamin D-dependent rickets type II with alopecia (VDDR2A). Also called: Vitamin D-dependent rickets, type 2A; GENERALIZED RESISTANCE TO 1,25-DIHYDROXYVITAMIN D; HYPOCALCEMIC VITAMIN D-RESISTANT RICKETS; PDDR IIA; PSEUDOVITAMIN D-DEFICIENCY, TYPE IIA; RICKETS, HEREDITARY VITAMIN D-RESISTANT. Identifiers: Orphanet 93160, MedGen C0342646, MONDO:0010186, OMIM 277440.

Allele frequency attached by ClinVar (database versions not stated): gnomAD 0.00003; gnomAD exomes 0.00003; TOPMed 0.00003.
gnomAD v4.1: 57 of 1,614,050 alleles (0.0035%); highest among the groups gnomAD compares: Admixed American, 0.01%; 1 homozygote.

Submissions (2):

Fulgent Genetics
Classification: Uncertain significance for Vitamin D-dependent rickets type II with alopecia. Last evaluated: 2024-05-22. Review status: criteria provided, single submitter. Criteria: ACMG Guidelines, 2015. Collection method: clinical testing. Allele origin: germline.

Labcorp Genetics (formerly Invitae), Labcorp
Classification: Uncertain significance. Last evaluated: 2022-07-07. Review status: criteria provided, single submitter. Criteria: Invitae Variant Classification Sherloc (09022015). Collection method: clinical testing. Allele origin: germline.
Comment: This sequence change replaces arginine, which is basic and polar, with tryptophan, which is neutral and slightly polar, at codon 121 of the VDR protein (p.Arg121Trp). This variant is present in population databases (rs752590757, gnomAD 0.009%). This variant has not been reported in the literature in individuals affected with VDR-related conditions. ClinVar contains an entry for this variant (Variation ID: 962188). Algorithms developed to predict the effect of missense changes on protein structure and function are either unavailable or do not agree on the potential impact of this missense change (SIFT: "Deleterious"; PolyPhen-2: "Possibly Damaging"; Align-GVGD: "Class C0"). In summary, the available evidence is currently insufficient to determine the role of this variant in disease. Therefore, it has been classified as a Variant of Uncertain Significance.